The following is an entry in ClinVar:

NM_004082.5(DCTN1):c.1505G>A (p.Arg502His)

Gene: DCTN1 (dynactin subunit 1; minus strand). Cytogenetic location: 2p13.1.
Variant type: single nucleotide variant.
Coding change: c.1505G>A on transcript NM_004082.5 (MANE Select); coding-DNA position 1505, G replaced by A.
Protein change: p.Arg502His; replaces arginine 502 with histidine.
Molecular consequence: missense variant. On other transcripts: non-coding transcript variant (1).
Genome position (GRCh38, 1-based): chr2:74,369,379, C>T on the plus strand (G>A on the coding strand, the complement: DCTN1 is on the minus strand). VCF-style: chr2-74369379-C-T. GRCh37 (hg19) VCF-style: chr2-74596506-C-T.
Other names: c.1505G>A (NM_004082.4); c.1445G>A, p.Arg482His (NM_001135040.3); c.1103G>A, p.Arg368His (NM_001135041.3, NM_023019.4); c.1394G>A, p.Arg465His (NM_001190836.2); c.1484G>A, p.Arg495His (NM_001190837.2); c.1454G>A, p.Arg485His (NM_001378991.1); c.1436G>A, p.Arg479His (NM_001378992.1); short protein forms R502H, R368H, R485H, R495H, R465H, R482H, R479H.
Identifiers: ClinVar variation 1384445 (VCV001384445.17), dbSNP rs780066070, ClinGen allele CA1722129.

ClinVar aggregate classification (germline): Uncertain significance. Review status: criteria provided, multiple submitters, no conflicts (2 of 4 stars). 5 submissions from 5 submitters: Uncertain significance (5). Last evaluated 2025-10-28.

Conditions:
DCTN1-related disorder. Also called: DCTN1-related condition.
Amyotrophic lateral sclerosis type 1 (ALS1). Also called: AMYOTROPHIC LATERAL SCLEROSIS 1, FAMILIAL. Identifiers: Orphanet 803, MedGen C1862939, MONDO:0007103, OMIM 105400.
Perry syndrome. Also called: PARKINSONISM WITH ALVEOLAR HYPOVENTILATION AND MENTAL DEPRESSION. Identifiers: Orphanet 178509, MedGen C1868594, MONDO:0008201, OMIM 168605.
Neuronopathy, distal hereditary motor, type 7B. Also called: NEURONOPATHY, DISTAL HEREDITARY MOTOR, AUTOSOMAL DOMINANT 14; NEURONOPATHY, DISTAL HEREDITARY MOTOR, HARDING TYPE VIIB; NEUROPATHY, DISTAL HEREDITARY MOTOR, HARDING TYPE VIIB; NEUROPATHY, DISTAL HEREDITARY MOTOR, WITH VOCAL CORD PARALYSIS, HARDING TYPE VIIB; HMN VIIB; LOWER MOTOR NEURON DISEASE, DYNACTIN TYPE. Identifiers: Orphanet 139589, MedGen C1843315, MONDO:0011879, OMIM 607641.
Inborn genetic diseases. Identifiers: MedGen C0950123, MeSH D030342.

Allele frequency attached by ClinVar (database versions not stated): gnomAD 0.00001; ExAC 0.00002; gnomAD exomes 0.00002; TOPMed 0.00002.
gnomAD v4.1: 32 of 1,614,098 alleles (0.002%); highest among the groups gnomAD compares: Admixed American, 0.0033%; no homozygotes.

Submissions (5):

Labcorp Genetics (formerly Invitae), Labcorp
Classification: Uncertain significance for Amyotrophic lateral sclerosis type 1; Neuronopathy, distal hereditary motor, type 7B; Perry syndrome. Last evaluated: 2025-10-28. Review status: criteria provided, single submitter. Criteria: Invitae Variant Classification Sherloc (09022015). Collection method: clinical testing. Allele origin: germline.
Comment: This sequence change replaces arginine, which is basic and polar, with histidine, which is basic and polar, at codon 502 of the DCTN1 protein (p.Arg502His). This variant is present in population databases (rs780066070, gnomAD 0.007%). This variant has not been reported in the literature in individuals affected with DCTN1-related conditions. ClinVar contains an entry for this variant (Variation ID: 1384445). Invitae Evidence Modeling of protein sequence and biophysical properties (such as structural, functional, and spatial information, amino acid conservation, physicochemical variation, residue mobility, and thermodynamic stability) indicates that this missense variant is not expected to disrupt DCTN1 protein function with a negative predictive value of 95%. In summary, the available evidence is currently insufficient to determine the role of this variant in disease. Therefore, it has been classified as a Variant of Uncertain Significance.

CeGaT Center for Human Genetics Tuebingen
Classification: Uncertain significance. Last evaluated: 2025-10-01. Review status: criteria provided, single submitter. Criteria: CeGaT Center For Human Genetics Tuebingen Variant Classification Criteria Version 2. Collection method: clinical testing. Allele origin: germline. Affected: yes. Observed: 1 variant allele.
Comment: DCTN1: PM2

PreventionGenetics, part of Exact Sciences
Classification: Uncertain significance for DCTN1-related condition. Last evaluated: 2025-06-18. Review status: criteria provided, single submitter. Criteria: ACMG Guidelines, 2015. Collection method: clinical testing. Allele origin: germline.
Comment: The DCTN1 c.1505G>A variant is predicted to result in the amino acid substitution p.Arg502His. To our knowledge, this variant has not been reported in the literature. This variant is reported in 0.0062% of alleles in individuals of African descent in gnomAD. At this time, the clinical significance of this variant is uncertain due to the absence of conclusive functional and genetic evidence.

Women's Health and Genetics/Laboratory Corporation of America, LabCorp
Classification: Uncertain significance. Last evaluated: 2024-10-17. Review status: criteria provided, single submitter. Criteria: LabCorp Variant Classification Summary - May 2015. Collection method: clinical testing. Allele origin: germline.
Comment: Variant summary: DCTN1 c.1505G>A (p.Arg502His) results in a non-conservative amino acid change in the encoded protein sequence. Three of five in-silico tools predict a benign effect of the variant on protein function. The variant allele was found at a frequency of 2e-05 in 251300 control chromosomes. The available data on variant occurrences in the general population are insufficient to allow any conclusion about variant significance. To our knowledge, no occurrence of c.1505G>A in individuals affected with Neuronopathy, distal hereditary motor, type 7B and no experimental evidence demonstrating its impact on protein function have been reported. ClinVar contains an entry for this variant (Variation ID: 1384445). Based on the evidence outlined above, the variant was classified as uncertain significance.

Ambry Genetics
Classification: Uncertain significance for Inborn genetic diseases. Last evaluated: 2023-04-28. Review status: criteria provided, single submitter. Criteria: Ambry Variant Classification Scheme 2023. Collection method: clinical testing. Allele origin: germline.
Comment: The c.1505G>A (p.R502H) alteration is located in exon 14 (coding exon 14) of the DCTN1 gene. This alteration results from a G to A substitution at nucleotide position 1505, causing the arginine (R) at amino acid position 502 to be replaced by a histidine (H). Based on data from gnomAD, the A allele has an overall frequency of 0.002% (5/251300) total alleles studied. The highest observed frequency was 0.006% (1/16254) of African alleles. This amino acid position is well conserved in available vertebrate species. This alteration is predicted to be tolerated by in silico analysis. Based on insufficient or conflicting evidence, the clinical significance of this alteration remains unclear.